The following is an entry in ClinVar:

ClinVar aggregate classification (germline): Conflicting classifications of pathogenicity. Review status: criteria provided, conflicting classifications (1 of 4 stars). 7 submissions from 7 submitters: Uncertain significance (2); Likely benign (4). 1 of the submissions does not count toward it. Last evaluated 2026-06-03.

Conditions:
IYD-related disorder. Also called: IYD-related condition.

Allele frequency attached by ClinVar (database versions not stated): 1000 Genomes Project 0.00040; 1000 Genomes Project 30x 0.00109; ESP Exome Variant Server 0.00161; gnomAD 0.00182 and 0.00186; TOPMed 0.00182; gnomAD exomes 0.00222 and 0.00239; ExAC 0.00247.

Submissions (7):

Women's Health and Genetics/Laboratory Corporation of America, LabCorp
Classification: Likely benign. Last evaluated: 2026-06-03. Review status: criteria provided, single submitter. Criteria: LabCorp Variant Classification Summary - May 2015. Collection method: clinical testing. Allele origin: germline.
Comment: Variant summary: IYD c.604G>A (p.Ala202Thr) results in a non-conservative amino acid change in the encoded protein sequence. Algorithms developed to predict the effect of missense changes on protein structure and function are either unavailable or do not agree on the potential impact of this missense change. The variant allele was found at a frequency of 0.0022 in 251434 control chromosomes, predominantly at a frequency of 0.0036 within the Non-Finnish European subpopulation in the gnomAD database. The observed variant frequency within Non-Finnish European control individuals in the gnomAD database exceeds the estimated maximal expected allele frequency for disease-causing variants in IYD. To our knowledge, no occurrence of c.604G>A in individuals affected with IYD-related conditions and no experimental evidence demonstrating its impact on protein function have been reported. ClinVar contains an entry for this variant (Variation ID: 435539). Based on the evidence outlined above, the variant was classified as likely benign.

CeGaT Center for Human Genetics Tuebingen
Classification: Likely benign. Last evaluated: 2026-06-01. Review status: criteria provided, single submitter. Criteria: CeGaT Center For Human Genetics Tuebingen Variant Classification Criteria Version 2. Collection method: clinical testing. Allele origin: germline. Affected: yes. Observed: 2 variant alleles.
Comment: IYD: BP4

Labcorp Genetics (formerly Invitae), Labcorp
Classification: Likely benign. Last evaluated: 2026-01-13. Review status: criteria provided, single submitter. Criteria: Invitae Variant Classification Sherloc (09022015). Collection method: clinical testing. Allele origin: germline.

Blueprint Genetics
Classification: Likely benign. Last evaluated: 2024-11-26. Review status: criteria provided, single submitter. Criteria: ACMG Guidelines, 2015. Collection method: clinical testing. Allele origin: germline.

Ambry Genetics
Classification: Uncertain significance. Last evaluated: 2021-10-18. Review status: criteria provided, single submitter. Criteria: Ambry Variant Classification Scheme 2023. Collection method: clinical testing. Allele origin: germline.

Genetic Services Laboratory, University of Chicago
Classification: Uncertain significance. Last evaluated: 2017-01-10. Review status: criteria provided, single submitter. Criteria: ACMG Guidelines, 2015. Collection method: clinical testing. Allele origin: germline. Affected: no.

PreventionGenetics, part of Exact Sciences
Classification: Likely benign for IYD-related condition. Last evaluated: 2020-02-11. Review status: no assertion criteria provided. Collection method: clinical testing. Allele origin: germline. Not counted in ClinVar's aggregate classification.
Comment: This variant is classified as likely benign based on ACMG/AMP sequence variant interpretation guidelines (Richards et al. 2015 PMID: 25741868, with internal and published modifications).

NM_203395.3(IYD):c.604G>A (p.Ala202Thr)

Gene: IYD (iodotyrosine deiodinase; plus strand). Cytogenetic location: 6q25.1.
Variant type: single nucleotide variant.
Coding change: c.604G>A on transcript NM_203395.3 (MANE Select); coding-DNA position 604, G replaced by A.
Protein change: p.Ala202Thr; replaces alanine 202 with threonine.
Molecular consequence: missense variant. On other transcripts: non-coding transcript variant (1).
Genome position (GRCh38, 1-based): chr6:150,394,172, G>A. VCF-style: chr6-150394172-G-A. GRCh37 (hg19) VCF-style: chr6-150715308-G-A.
Other names: c.604G>A, p.Ala202Thr (NM_001164694.2, NM_001164695.2); c.358G>A, p.Ala120Thr (NM_001318495.2); c.604G>A (NM_001164694.1); short protein forms A202T, A120T.
Identifiers: ClinVar variation 435539 (VCV000435539.48), dbSNP rs146905706, ClinGen allele CA4047072.